The following is an entry in ClinVar:

NM_000018.4(ACADVL):c.623-4A>G

Gene: ACADVL (acyl-CoA dehydrogenase very long chain; plus strand). Cytogenetic location: 17p13.1.
Variant type: single nucleotide variant.
Coding change: c.623-4A>G on transcript NM_000018.4 (MANE Select); 4 bases into the intron before coding-DNA position 623, A replaced by G.
Molecular consequence: intron variant.
Genome position (GRCh38, 1-based): chr17:7,221,948, A>G. VCF-style: chr17-7221948-A-G. GRCh37 (hg19) VCF-style: chr17-7125267-A-G.
Other names: c.692-4A>G (NM_001270447.2); c.395-4A>G (NM_001270448.2); c.557-4A>G (NM_001033859.3); c.623-4A>G (NM_000018.3).
Identifiers: ClinVar variation 1412496 (VCV001412496.5), dbSNP rs977348928, ClinGen allele CA287436739.
Genomic context (GRCh38, chr17:7,221,948, plus strand): 5'-AAGTGGGCCGAGGGGACTTTGAAGCTCATCAGAACTTGGGGTAAAGTAGCTCTCTCCCCA[A>G]CAGGGGAGACTGTGGCCGCTTTCTGTCTAACCGAGCCCTCAAGCGGGTCAGATGCAGCCT-3'

ClinVar aggregate classification (germline): Uncertain significance. Review status: criteria provided, single submitter (1 of 4 stars). 2 submissions from 2 submitters: Uncertain significance (1). 1 of the submissions does not count toward it. Last evaluated 2022-09-01.

Conditions:
Very long chain acyl-CoA dehydrogenase deficiency (ACADVLD). Also called: VLCAD Deficiency; Very Long-Chain Acyl-Coenzyme A Dehydrogenase Deficiency. Identifiers: Orphanet 26793, MedGen C3887523, MONDO:0008723, OMIM 201475.

Allele frequency attached by ClinVar (database versions not stated): gnomAD exomes below 0.00001.
gnomAD v4.1: 1 of 1,614,062 alleles (0.000062%); highest among the groups gnomAD compares: Non-Finnish European, 0.000085%; no homozygotes.

Submissions (2):

Labcorp Genetics (formerly Invitae), Labcorp
Classification: Uncertain significance for Very long chain acyl-CoA dehydrogenase deficiency. Last evaluated: 2022-09-01. Review status: criteria provided, single submitter. Criteria: Invitae Variant Classification Sherloc (09022015). Collection method: clinical testing. Allele origin: germline.
Comment: In summary, the available evidence is currently insufficient to determine the role of this variant in disease. Therefore, it has been classified as a Variant of Uncertain Significance. Algorithms developed to predict the effect of sequence changes on RNA splicing suggest that this variant may disrupt the consensus splice site. ClinVar contains an entry for this variant (Variation ID: 1412496). This variant has not been reported in the literature in individuals affected with ACADVL-related conditions. This variant is not present in population databases (gnomAD no frequency). This sequence change falls in intron 7 of the ACADVL gene. It does not directly change the encoded amino acid sequence of the ACADVL protein.

Natera, Inc.
Classification: Uncertain significance for Very long chain acyl-CoA dehydrogenase deficiency. Last evaluated: 2025-02-24. Review status: no assertion criteria provided. Collection method: clinical testing. Allele origin: germline. Not counted in ClinVar's aggregate classification.